The following is an entry in ClinVar:

NM_001928.4(CFD):c.56-6C>G

Gene: CFD (complement factor D; plus strand). Cytogenetic location: 19p13.3.
Variant type: single nucleotide variant.
Coding change: c.56-6C>G on transcript NM_001928.4 (MANE Select); 6 bases into the intron before coding-DNA position 56, C replaced by G.
Molecular consequence: intron variant.
Genome position (GRCh38, 1-based): chr19:860,611, C>G. VCF-style: chr19-860611-C-G. GRCh37 (hg19) VCF-style: chr19-860611-C-G.
Other names: c.77-6C>G (NM_001317335.2).
Identifiers: ClinVar variation 1518831 (VCV001518831.8), dbSNP rs750243947, ClinGen allele CA9026216.

ClinVar aggregate classification (germline): Uncertain significance (1 of 4 stars; one submission).

Submission:

Labcorp Genetics (formerly Invitae), Labcorp
Classification: Uncertain significance. Last evaluated: 2021-05-16. Review status: criteria provided, single submitter. Criteria: Invitae Variant Classification Sherloc (09022015). Collection method: clinical testing. Allele origin: germline.
Comment: In summary, the available evidence is currently insufficient to determine the role of this variant in disease. Therefore, it has been classified as a Variant of Uncertain Significance. Algorithms developed to predict the effect of sequence changes on RNA splicing suggest that this variant may disrupt the consensus splice site, but this prediction has not been confirmed by published transcriptional studies. This variant has not been reported in the literature in individuals with CFD-related conditions. The frequency data for this variant in the population databases is considered unreliable, as metrics indicate poor data quality at this position in the ExAC database. This sequence change falls in intron 1 of the CFD gene. It does not directly change the encoded amino acid sequence of the CFD protein.